The following is an entry in ClinVar:

NM_001458.5(FLNC):c.3966C>T (p.Gly1322=)

Gene: FLNC (filamin C; plus strand). Cytogenetic location: 7q32.1.
Variant type: single nucleotide variant.
Coding change: c.3966C>T on transcript NM_001458.5 (MANE Select); coding-DNA position 3966, C replaced by T.
Protein change: p.Gly1322=; no amino-acid change (glycine 1322 retained).
Molecular consequence: synonymous variant.
Genome position (GRCh38, 1-based): chr7:128,846,302, C>T. VCF-style: chr7-128846302-C-T. GRCh37 (hg19) VCF-style: chr7-128486356-C-T.
Other names: p.Gly1322=; c.3966C>T, p.Gly1322= (NM_001127487.2).
Identifiers: ClinVar variation 195740 (VCV000195740.54), dbSNP rs200237564, ClinGen allele CA242312.

ClinVar aggregate classification (germline): Conflicting classifications of pathogenicity. Review status: criteria provided, conflicting classifications (1 of 4 stars). 15 submissions from 15 submitters: Uncertain significance (1); Benign (5); Likely benign (4). 5 of the submissions do not count toward it. Last evaluated 2026-01-28.

Conditions:
FLNC-related disorder. Also called: FLNC-related disorders; FLNC-related condition.
Distal myopathy with posterior leg and anterior hand involvement. Also called: WILLIAMS DISTAL MYOPATHY. Identifiers: Orphanet 63273, MedGen C3279722, MONDO:0013550, OMIM 614065.
Myofibrillar myopathy 5. Also called: Filaminopathy (type); FILAMINOPATHY, AUTOSOMAL DOMINANT. Identifiers: Orphanet 171445, MedGen C1836050, MONDO:0012289, OMIM 609524.
Hypertrophic cardiomyopathy 26. Also called: Cardiomyopathy, familial hypertrophic, 26. Identifiers: Orphanet 75249, MedGen C4310749, MONDO:0014883, OMIM 617047.
Cardiovascular phenotype. Identifiers: MedGen CN230736.

Allele frequency attached by ClinVar (database versions not stated): gnomAD 0.00045; TOPMed 0.00068; ESP Exome Variant Server 0.00071; 1000 Genomes Project 30x 0.00016; 1000 Genomes Project 0.00020.
gnomAD v4.1: 1,328 of 1,613,764 alleles (0.082%); highest among the groups gnomAD compares: Non-Finnish European, 0.094%; no homozygotes.

Submissions (15):

Labcorp Genetics (formerly Invitae), Labcorp
Classification: Benign for Distal myopathy with posterior leg and anterior hand involvement; Myofibrillar myopathy 5; Hypertrophic cardiomyopathy 26. Last evaluated: 2026-01-28. Review status: criteria provided, single submitter. Criteria: Invitae Variant Classification Sherloc (09022015). Collection method: clinical testing. Allele origin: germline.

CeGaT Center for Human Genetics Tuebingen
Classification: Likely benign. Last evaluated: 2026-01-01. Review status: criteria provided, single submitter. Criteria: CeGaT Center For Human Genetics Tuebingen Variant Classification Criteria Version 2. Collection method: clinical testing. Allele origin: germline. Affected: yes. Observed: 3 variant alleles.
Comment: FLNC: BP4, BP7

ARUP Laboratories, Molecular Genetics and Genomics, ARUP Laboratories
Classification: Benign. Last evaluated: 2025-07-28. Review status: criteria provided, single submitter. Criteria: ARUP Molecular Germline Variant Investigation Process 2024. Collection method: clinical testing. Allele origin: germline.

Mayo Clinic Laboratories, Mayo Clinic
Classification: Likely benign. Last evaluated: 2025-07-18. Review status: criteria provided, single submitter. Criteria: ACMG Guidelines, 2015. Collection method: clinical testing. Allele origin: germline. Observed: 2 variant alleles.
Comment: BS1, BP4, BP7

Molecular Diagnostic Laboratory for Inherited Cardiovascular Disease, Montreal Heart Institute
Classification: Benign. Last evaluated: 2025-04-09. Review status: criteria provided, single submitter. Criteria: ACMG Guidelines, 2015. Collection method: clinical testing. Allele origin: germline. Affected: no.

Blueprint Genetics
Classification: Likely benign. Last evaluated: 2024-09-16. Review status: criteria provided, single submitter. Criteria: ACMG Guidelines, 2015. Collection method: clinical testing. Allele origin: germline.

Women's Health and Genetics/Laboratory Corporation of America, LabCorp
Classification: Benign. Last evaluated: 2023-08-19. Review status: criteria provided, single submitter. Criteria: LabCorp Variant Classification Summary - May 2015. Collection method: clinical testing. Allele origin: germline.

GeneDx
Classification: Benign. Last evaluated: 2020-04-20. Review status: criteria provided, single submitter. Criteria: GeneDx Variant Classification Process June 2021. Collection method: clinical testing. Allele origin: germline. Affected: yes.

Ambry Genetics
Classification: Likely benign for Cardiovascular phenotype. Last evaluated: 2018-12-31. Review status: criteria provided, single submitter. Criteria: Ambry Variant Classification Scheme 2023. Collection method: clinical testing. Allele origin: germline.

Eurofins Ntd Llc (ga)
Classification: Uncertain significance. Last evaluated: 2017-02-01. Review status: criteria provided, single submitter. Criteria: EGL Classification Definitions 2015. Collection method: clinical testing. Allele origin: germline. Observed: 2 variant alleles, 2 heterozygotes.

PreventionGenetics, part of Exact Sciences
Classification: Likely benign for FLNC-related condition. Last evaluated: 2020-08-03. Review status: no assertion criteria provided. Collection method: clinical testing. Allele origin: germline. Not counted in ClinVar's aggregate classification.
Comment: This variant is classified as likely benign based on ACMG/AMP sequence variant interpretation guidelines (Richards et al. 2015 PMID: 25741868, with internal and published modifications).

Clinical Genetics DNA and cytogenetics Diagnostics Lab, Erasmus MC, Erasmus Medical Center
Classification: Likely benign. Review status: no assertion criteria provided. Collection method: clinical testing. Allele origin: germline. Affected: yes. Study: VKGL Data-share Consensus. Not counted in ClinVar's aggregate classification.

Clinical Genetics, Academic Medical Center
Classification: Benign. Review status: no assertion criteria provided. Collection method: clinical testing. Allele origin: germline. Affected: yes. Study: VKGL Data-share Consensus. Not counted in ClinVar's aggregate classification.

Genome Diagnostics Laboratory, University Medical Center Utrecht
Classification: Likely benign. Review status: no assertion criteria provided. Collection method: clinical testing. Allele origin: germline. Affected: yes. Study: VKGL Data-share Consensus. Not counted in ClinVar's aggregate classification.

Joint Genome Diagnostic Labs from Nijmegen and Maastricht, Radboudumc and MUMC+
Classification: Benign. Review status: no assertion criteria provided. Collection method: clinical testing. Allele origin: germline. Affected: yes. Study: VKGL Data-share Consensus. Not counted in ClinVar's aggregate classification.